The following is an entry in ClinVar:

ClinVar aggregate classification (germline): Pathogenic. Review status: criteria provided, multiple submitters, no conflicts (2 of 4 stars). 2 submissions from 2 submitters: Pathogenic (2). Last evaluated 2026-05-15.

Conditions:
Hereditary cancer-predisposing syndrome. Also called: Neoplastic Syndromes, Hereditary; Hereditary neoplastic syndrome; Tumor predisposition; Hereditary Cancer Syndrome. Identifiers: Orphanet 140162, MedGen C0027672, MeSH D009386, MONDO:0015356.
Bloom syndrome (BLM). Also called: Bloom-Torre-Machacek syndrome. Identifiers: Orphanet 125, MedGen C0005859, MONDO:0008876, OMIM 210900.

Submissions (2):

Myriad Genetics, Inc.
Classification: Pathogenic for Bloom syndrome. Last evaluated: 2026-05-15. Review status: criteria provided, single submitter. Criteria: Myriad Autosomal Dominant, Autosomal Recessive and X-Linked Classification Criteria (2023). Collection method: clinical testing. Allele origin: unknown.
Comment: NM_000057.3(BLM):c.1469_1470dupCT(F492Yfs*11) is a frameshift variant classified as pathogenic in the context of Bloom syndrome. F492Yfs*11 has not been observed in cases with relevant disease. Relevant functional assessments of this variant are not available in the literature. F492Yfs*11 has not been observed in referenced population frequency databases. In summary, NM_000057.3(BLM):c.1469_1470dupCT(F492Yfs*11) is a frameshift variant in a gene where loss of function is a known mechanism of disease and is predicted to disrupt protein function. Please note: this variant was assessed in the context of healthy population screening.

Ambry Genetics
Classification: Pathogenic for Hereditary cancer-predisposing syndrome. Last evaluated: 2023-01-03. Review status: criteria provided, single submitter. Criteria: Ambry Variant Classification Scheme 2023. Collection method: clinical testing. Allele origin: germline.
Comment: The c.1469_1470dupCT pathogenic mutation, located in coding exon 6 of the BLM gene, results from a duplication of CT at nucleotide position 1469, causing a translational frameshift with a predicted alternate stop codon (p.F492Yfs*11). This variant is considered to be rare based on population cohorts in the Genome Aggregation Database (gnomAD). This alteration is expected to result in loss of function by premature protein truncation or nonsense-mediated mRNA decay. As such, this alteration is interpreted as a disease-causing mutation.

NM_000057.4(BLM):c.1469_1470dup (p.Phe492fs)

Gene: BLM (BLM RecQ like helicase; plus strand). Cytogenetic location: 15q26.1.
Variant type: Duplication.
Coding change: c.1469_1470dup on transcript NM_000057.4 (MANE Select); coding-DNA positions 1469 to 1470, 2 bases duplicated (CT; older notation c.1469_1470dupCT).
Protein change: p.Phe492fs; shifts the reading frame from phenylalanine 492.
Molecular consequence: frameshift variant.
Genome position (GRCh38, 1-based): chr15:90,760,842-90,760,843, CT duplicated. VCF-style (leftmost placement, unchanged base first): chr15-90760841-C-CCT. GRCh37 (hg19) VCF-style: chr15-91304071-C-CCT.
Other names: c.1469_1470dup, p.Phe492fs (NM_001287246.2, NM_001287247.2); c.344_345dup, p.Phe117fs (NM_001287248.2); c.1469_1470dupCT (NM_000057.2); short protein forms F117fs, F492fs.
Identifiers: ClinVar variation 2452542 (VCV002452542.3), dbSNP rs2505426263, ClinGen allele CA2580090379.